The following is an entry in ClinVar:

NM_003659.4(AGPS):c.*3558C>T

Gene: AGPS (alkylglycerone phosphate synthase; plus strand). Cytogenetic location: 2q31.2.
Variant type: single nucleotide variant.
Coding change: c.*3558C>T on transcript NM_003659.4 (MANE Select); 3558 bases downstream of the stop codon, C replaced by T.
Molecular consequence: 3 prime UTR variant.
Genome position (GRCh38, 1-based): chr2:177,541,753, C>T. VCF-style: chr2-177541753-C-T. GRCh37 (hg19) VCF-style: chr2-178406481-C-T.
Identifiers: ClinVar variation 332583 (VCV000332583.6), dbSNP rs8941, ClinGen allele CA10612911.

ClinVar aggregate classification (germline): Benign. Review status: criteria provided, multiple submitters, no conflicts (2 of 4 stars). 2 submissions from 2 submitters: Benign (2). Last evaluated 2018-01-13.

Conditions:
Rhizomelic chondrodysplasia punctata type 3 (RCDP3). Also called: ALKYLDIHYDROXYACETONEPHOSPHATE SYNTHASE DEFICIENCY; Alkylglycerone Phosphate Synthase (AGPS) deficiency. Identifiers: Orphanet 177, Orphanet 309803, MedGen C1838612, MONDO:0010823, OMIM 600121. Disease mechanism: loss of function.

Allele frequency attached by ClinVar (database versions not stated): 1000 Genomes Project 0.69669; 1000 Genomes Project 30x 0.69988; TOPMed 0.71551; gnomAD 0.71958 and 0.72163.

Submissions (2):

Illumina Laboratory Services, Illumina
Classification: Benign for Rhizomelic chondrodysplasia punctata type 3. Last evaluated: 2018-01-13. Review status: criteria provided, single submitter. Criteria: ICSL Variant Classification Criteria 13 December 2019. Collection method: clinical testing. Allele origin: germline.
Comment: This variant was observed in the ICSL laboratory as part of a predisposition screen in an ostensibly healthy population. It had not been previously curated by ICSL or reported in the Human Gene Mutation Database (HGMD: prior to June 1st, 2018), and was therefore a candidate for classification through an automated scoring system. Utilizing variant allele frequency, disease prevalence and penetrance estimates, and inheritance mode, an automated score was calculated to assess if this variant is too frequent to cause the disease. Based on the score and internal cut-off values, a variant classified as benign is not then subjected to further curation. The score for this variant resulted in a classification of benign for this disease.

Breakthrough Genomics
Classification: Benign. Review status: criteria provided, single submitter. Criteria: ACMG Guidelines, 2015. Collection method: not provided. Allele origin: germline. Inheritance: Autosomal recessive inheritance. Affected: yes.